The following is an entry in ClinVar:

NM_172107.4(KCNQ2):c.584_593delinsA (p.Ser195_Arg198delinsTer)

Gene: KCNQ2 (potassium voltage-gated channel subfamily Q member 2; minus strand). Cytogenetic location: 20q13.33.
Variant type: Indel.
Coding change: c.584_593delinsA on transcript NM_172107.4 (MANE Select); coding-DNA positions 584 to 593, CTGCGCTCCG replaced by A.
Protein change: p.Ser195_Arg198delinsTer.
Molecular consequence: nonsense.
Genome position (GRCh38, 1-based): chr20:63,444,756-63,444,765, CGGAGCGCAG replaced by T on the plus strand (CTGCGCTCCG replaced by A on the coding strand, the reverse complement: KCNQ2 is on the minus strand). VCF-style: chr20-63444756-CGGAGCGCAG-T. GRCh37 (hg19) VCF-style: chr20-62076109-CGGAGCGCAG-T.
Other names: c.584_593delinsA, p.Ser195_Arg198delinsTer (NM_001382235.1, NM_004518.6, NM_172106.3 and 2 more transcripts).
Identifiers: ClinVar variation 21790 (VCV000021790.3), dbSNP rs118192197, ClinGen allele CA342510.

ClinVar aggregate classification (germline): Pathogenic. Review status: no assertion criteria provided (0 of 4 stars). 2 submissions from 2 submitters: Pathogenic (1). 1 of the submissions does not count toward it. Last evaluated 2005-12-01.

Conditions:
Developmental and epileptic encephalopathy, 1 (DEE1). Also called: X-linked infantile spasms; West's syndrome; Tonic spasms with clustering, arrest of psychomotor development and hypsarrhythmia on EEG; X-Linked Infantile Spasm Syndrome; Epileptic encephalopathy, early infantile, 1; OHTAHARA SYNDROME, X-LINKED. Identifiers: MedGen C3463992, MONDO:0010632, OMIM 308350. Disease mechanism: loss of function.
Seizures, benign familial neonatal, 1. Also called: Benign Neonatal Epilepsy 1; KCNQ2-Related Benign Familial Neonatal Epilepsy; KCNQ2-Related Self-Limited Familial Neonatal Epilepsy (SLFNE); Seizures, benign neonatal, 1. Identifiers: Orphanet 1949, MedGen C3149074, MONDO:0007365, OMIM 121200.

Submissions (2):

OMIM
Classification: Pathogenic for SEIZURES, BENIGN FAMILIAL NEONATAL, 1. Last evaluated: 2005-12-01. Review status: no assertion criteria provided. Collection method: literature only. Allele origin: germline.

GeneReviews
No classification provided. Condition: Developmental and epileptic encephalopathy, 1. Review status: no classification provided. Collection method: literature only. Allele origin: germline. Affected: yes. Not counted in ClinVar's aggregate classification.
Comment: West syndrome with mild mental retardation

Functional effect: Lack of functional homomeric channels; markedly reduced current amplitude in heteromeric channels

Literature cited by the submitters: PubMed 16235065 (cited by OMIM and GeneReviews); NCBI Bookshelf NBK32534 (cited by GeneReviews).